The following is an entry in ClinVar:

ClinVar aggregate classification (germline): Conflicting classifications of pathogenicity. Review status: criteria provided, conflicting classifications (1 of 4 stars). 12 submissions from 12 submitters: Uncertain significance (1); Benign (1); Likely benign (6). 4 of the submissions do not count toward it. Last evaluated 2026-01-19.

Conditions:
Hereditary cancer-predisposing syndrome. Also called: Tumor predisposition; Neoplastic Syndromes, Hereditary; Hereditary neoplastic syndrome; Hereditary Cancer Syndrome. Identifiers: Orphanet 140162, MedGen C0027672, MeSH D009386, MONDO:0015356.
Cardiovascular phenotype. Identifiers: MedGen CN230736.
NF1-related disorder. Also called: NF1-related condition. Identifiers: MedGen CN379171.
Neurofibromatosis-Noonan syndrome (NFNS). Also called: NEUROFIBROMATOSIS WITH NOONAN PHENOTYPE. Identifiers: Orphanet 638, MedGen C2931482, MONDO:0011035, OMIM 601321. Disease mechanism: loss of function.
Café-au-lait macules with pulmonary stenosis (WTSN). Also called: PULMONIC STENOSIS WITH CAFE-AU-LAIT SPOTS. Identifiers: MedGen C0553586, MONDO:0008672, OMIM 193520.
Neurofibromatosis, familial spinal (FSNF). Identifiers: Orphanet 636, MedGen C1834235, MONDO:0008078, OMIM 162210. Disease mechanism: loss of function.
Juvenile myelomonocytic leukemia (JMML). Also called: LEUKEMIA, JUVENILE MYELOMONOCYTIC, SOMATIC. Identifiers: Orphanet 86834, MedGen C0349639, MONDO:0011908, OMIM 607785, HP:0012209.
Neurofibromatosis, type 1 (NF1). Also called: NEUROFIBROMATOSIS, TYPE I, SOMATIC; VON RECKLINGHAUSEN DISEASE; Peripheral type neurofibromatosis; Neurofibromatosis, type I. Identifiers: Orphanet 636, MedGen C0027831, MONDO:0018975, OMIM 162200. Disease mechanism: loss of function.

Allele frequency attached by ClinVar (database versions not stated): gnomAD exomes 0.00008 and 0.00017; TOPMed 0.00009; ExAC 0.00011; gnomAD 0.00007 and 0.00008.
gnomAD v4.1: 130 of 1,613,916 alleles (0.0081%); highest among the groups gnomAD compares: Non-Finnish European, 0.0019%; no homozygotes.

Submissions (12):

Labcorp Genetics (formerly Invitae), Labcorp
Classification: Likely benign for Neurofibromatosis, type 1. Last evaluated: 2026-01-19. Review status: criteria provided, single submitter. Criteria: Invitae Variant Classification Sherloc (09022015). Collection method: clinical testing. Allele origin: germline.

Women's Health and Genetics/Laboratory Corporation of America, LabCorp
Classification: Likely benign. Last evaluated: 2025-02-17. Review status: criteria provided, single submitter. Criteria: LabCorp Variant Classification Summary - May 2015. Collection method: clinical testing. Allele origin: germline.
Comment: Variant summary: NF1 c.8042A>T (p.Tyr2681Phe) results in a conservative amino acid change in the encoded protein sequence. Four of five in-silico tools predict a benign effect of the variant on protein function. The variant allele was found at a frequency of 8.1e-05 in 1613916 control chromosomes, predominantly at a frequency of 0.0033 within the Ashkenazi Jewish subpopulation in the gnomAD database. The observed variant frequency within Ashkenazi Jewish control individuals in the gnomAD database is approximately 16 fold of the estimated maximal expected allele frequency for a pathogenic variant in NF1 causing Neurofibromatosis Type 1 phenotype (0.00021). However, this data must be interpreted with caution as the sequencing technology utilized does not distinguish between this gene and highly homologous pseudogenes. To our knowledge, no occurrence of c.8042A>T in individuals affected with Neurofibromatosis Type 1 and no experimental evidence demonstrating its impact on protein function have been reported. ClinVar contains an entry for this variant (Variation ID: 41679). Based on the evidence outlined above, the variant was classified as likely benign.

Blueprint Genetics
Classification: Likely benign. Last evaluated: 2024-11-01. Review status: criteria provided, single submitter. Criteria: ACMG Guidelines, 2015. Collection method: clinical testing. Allele origin: germline.

Department of Pathology and Laboratory Medicine, Sinai Health System
Classification: Likely benign for Neurofibromatosis, type 1; Neurofibromatosis, familial spinal; Café-au-lait macules with pulmonary stenosis; Neurofibromatosis-Noonan syndrome; Juvenile myelomonocytic leukemia. Last evaluated: 2024-07-11. Review status: criteria provided, single submitter. Criteria: ACMG Guidelines, 2015. Collection method: clinical testing. Allele origin: germline.

Institute for Biomarker Research, Medical Diagnostic Laboratories, L.L.C.
Classification: Uncertain significance for Hereditary cancer-predisposing syndrome. Last evaluated: 2023-07-27. Review status: criteria provided, single submitter. Criteria: ACMG Guidelines, 2015. Collection method: clinical testing. Allele origin: germline.

Sema4
Classification: Benign for Hereditary cancer-predisposing syndrome. Last evaluated: 2021-01-29. Review status: criteria provided, single submitter. Criteria: Sema4 Curation Guidelines. Collection method: curation. Allele origin: germline.

GeneDx
Classification: Likely benign. Last evaluated: 2020-09-22. Review status: criteria provided, single submitter. Criteria: GeneDx Variant Classification Process June 2021. Collection method: clinical testing. Allele origin: germline. Affected: yes.
Comment: This variant is associated with the following publications: (PMID: 22703879)

Ambry Genetics
Classification: Likely benign for Cardiovascular phenotype; Hereditary cancer-predisposing syndrome. Last evaluated: 2018-11-03. Review status: criteria provided, single submitter. Criteria: Ambry Variant Classification Scheme 2023. Collection method: clinical testing. Allele origin: germline.

PreventionGenetics, part of Exact Sciences
Classification: Likely benign for NF1-related condition. Last evaluated: 2024-01-16. Review status: no assertion criteria provided. Collection method: clinical testing. Allele origin: germline. Not counted in ClinVar's aggregate classification.
Comment: This variant is classified as likely benign based on ACMG/AMP sequence variant interpretation guidelines (Richards et al. 2015 PMID: 25741868, with internal and published modifications).

Biesecker Lab/Clinical Genomics Section, National Institutes of Health
Classification: Uncertain significance. Last evaluated: 2012-07-13. Review status: no assertion criteria provided. Collection method: research. Allele origin: germline. Affected: no. Observed: 1 variant allele. Study: ClinSeq. Not counted in ClinVar's aggregate classification.
ClinVar note: Converted during submission from variant of unknown significance to Uncertain significance.

Genetic Services Laboratory, University of Chicago
Classification: Uncertain significance. Last evaluated: 2017-06-14. Review status: flagged submission. Criteria: ACMG Guidelines, 2015. Collection method: clinical testing. Allele origin: germline. Affected: no. Not counted in ClinVar's aggregate classification.
ClinVar note: Reason: Older claim that does not account for recent evidence

Fulgent Genetics
Classification: Uncertain significance for Neurofibromatosis, type 1; Neurofibromatosis, familial spinal; Café-au-lait macules with pulmonary stenosis; Neurofibromatosis-Noonan syndrome; Juvenile myelomonocytic leukemia. Last evaluated: 2017-05-23. Review status: flagged submission. Criteria: ACMG Guidelines, 2015. Collection method: clinical testing. Allele origin: unknown. Not counted in ClinVar's aggregate classification.
ClinVar note: Reason: Older claim that does not account for recent evidence

Literature cited by the submitters: PubMed 10678181 (cited by Women's Health and Genetics/Laboratory Corporation of America, LabCorp); PubMed 23460398 (cited by Women's Health and Genetics/Laboratory Corporation of America, LabCorp); PubMed 29872168 (cited by Women's Health and Genetics/Laboratory Corporation of America, LabCorp); PubMed 27069254 (cited by Women's Health and Genetics/Laboratory Corporation of America, LabCorp).

NM_001042492.3(NF1):c.8105A>T (p.Tyr2702Phe)

Gene: NF1 (neurofibromin 1; plus strand). Cytogenetic location: 17q11.2.
Variant type: single nucleotide variant.
Coding change: c.8105A>T on transcript NM_001042492.3 (MANE Select); coding-DNA position 8105, A replaced by T.
Protein change: p.Tyr2702Phe; replaces tyrosine 2702 with phenylalanine.
Molecular consequence: missense variant.
Genome position (GRCh38, 1-based): chr17:31,358,614, A>T. VCF-style: chr17-31358614-A-T. GRCh37 (hg19) VCF-style: chr17-29685632-A-T.
Other names: c.8042A>T, p.Tyr2681Phe (NM_000267.4); short protein forms Y2681F, Y2702F.
Identifiers: ClinVar variation 41679 (VCV000041679.36), dbSNP rs201824349, ClinGen allele CA166986.